The following is an entry in ClinVar:

NM_001374828.1(ARID1B):c.5635_5636del (p.Glu1879fs)

Gene: ARID1B (AT-rich interaction domain 1B; plus strand). Cytogenetic location: 6q25.3.
Variant type: Deletion.
Coding change: c.5635_5636del on transcript NM_001374828.1 (MANE Select); coding-DNA positions 5635 to 5636, 2 bases deleted (GA; older notation c.5635_5636delGA).
Protein change: p.Glu1879fs; shifts the reading frame from glutamic acid 1879.
Molecular consequence: frameshift variant.
Genome position (GRCh38, 1-based): chr6:157,206,407-157,206,408, GA deleted; deleting any 2 consecutive bases within chr6:157,206,406-157,206,408 gives the same sequence; the c. name uses the placement nearest the transcript's 3' end. VCF-style (leftmost placement, unchanged base first): chr6-157206405-CAG-C. GRCh37 (hg19) VCF-style: chr6-157527539-CAG-C.
Other names: c.3136_3137del, p.Glu1046fs (NM_001363725.2); c.5515_5516del, p.Glu1839fs (NM_001371656.1, NM_001374820.1); c.5476_5477del, p.Glu1826fs (NM_017519.3); c.5266_5267del (NM_020732.3); short protein forms E1046fs, E1826fs, E1839fs, E1879fs.
Identifiers: ClinVar variation 3372744 (VCV003372744.1).

ClinVar aggregate classification (germline): Pathogenic (1 of 4 stars; one submission).

Submission:

GeneDx
Classification: Pathogenic. Last evaluated: 2024-04-22. Review status: criteria provided, single submitter. Criteria: GeneDx Variant Classification Process June 2021. Collection method: clinical testing. Allele origin: germline. Affected: yes.
Comment: Frameshift variant predicted to result in abnormal protein length as the last 494 amino acids are replaced with 2 different amino acids, and other similar variants have been reported in HGMD; Not observed at significant frequency in large population cohorts (gnomAD); This variant is associated with the following publications: (PMID: 33006724, 34730517)